The following is an entry in ClinVar:

ClinVar aggregate classification (germline): Uncertain significance. Review status: criteria provided, multiple submitters, no conflicts (2 of 4 stars). 2 submissions from 2 submitters: Uncertain significance (2). Last evaluated 2023-06-16.

Allele frequency attached by ClinVar (database versions not stated): TOPMed 0.00003; gnomAD 0.00004; ExAC 0.00021.
gnomAD v4.1: 141 of 1,614,048 alleles (0.0087%); highest among the groups gnomAD compares: South Asian, 0.13%; 2 homozygotes.

Submissions (2):

Ambry Genetics
Classification: Uncertain significance. Last evaluated: 2023-06-16. Review status: criteria provided, single submitter. Criteria: Ambry Variant Classification Scheme 2023. Collection method: clinical testing. Allele origin: germline.

Labcorp Genetics (formerly Invitae), Labcorp
Classification: Uncertain significance. Last evaluated: 2023-04-28. Review status: criteria provided, single submitter. Criteria: Invitae Variant Classification Sherloc (09022015). Collection method: clinical testing. Allele origin: germline.
Comment: This variant has not been reported in the literature in individuals affected with NDUFAF7-related conditions. In summary, the available evidence is currently insufficient to determine the role of this variant in disease. Therefore, it has been classified as a Variant of Uncertain Significance. An algorithm developed to predict the effect of missense changes on protein structure and function (PolyPhen-2) suggests that this variant is likely to be disruptive. ClinVar contains an entry for this variant (Variation ID: 2150662). This variant is present in population databases (rs778647180, gnomAD 0.1%), and has an allele count higher than expected for a pathogenic variant. This sequence change replaces leucine, which is neutral and non-polar, with phenylalanine, which is neutral and non-polar, at codon 262 of the NDUFAF7 protein (p.Leu262Phe).

NM_144736.5(NDUFAF7):c.1080A>T (p.Leu360Phe)

Gene: NDUFAF7 (NADH:ubiquinone oxidoreductase complex assembly factor 7; plus strand). Cytogenetic location: 2p22.2.
Variant type: single nucleotide variant.
Coding change: c.1080A>T on transcript NM_144736.5 (MANE Select); coding-DNA position 1080, A replaced by T.
Protein change: p.Leu360Phe; replaces leucine 360 with phenylalanine.
Molecular consequence: missense variant. On other transcripts: non-coding transcript variant (10).
Genome position (GRCh38, 1-based): chr2:37,247,599, A>T. VCF-style: chr2-37247599-A-T. GRCh37 (hg19) VCF-style: chr2-37474742-A-T.
Other names: c.786A>T (NM_001083946.1); c.786A>T, p.Leu262Phe (NM_001083946.2); c.1080A>T, p.Leu360Phe (NM_001350024.2); c.999A>T, p.Leu333Phe (NM_001350025.2); c.867A>T, p.Leu289Phe (NM_001350027.2); short protein forms L289F, L360F, L262F, L333F.
Identifiers: ClinVar variation 2150662 (VCV002150662.6), dbSNP rs778647180, ClinGen allele CA1617377.